The following is an entry in ClinVar:

NM_007118.4(TRIO):c.7180C>A (p.Pro2394Thr)

Gene: TRIO (trio Rho guanine nucleotide exchange factor; plus strand). Cytogenetic location: 5p15.2.
Variant type: single nucleotide variant.
Coding change: c.7180C>A on transcript NM_007118.4 (MANE Select); coding-DNA position 7180, C replaced by A.
Protein change: p.Pro2394Thr; replaces proline 2394 with threonine.
Molecular consequence: missense variant.
Genome position (GRCh38, 1-based): chr5:14,487,808, C>A. VCF-style: chr5-14487808-C-A. GRCh37 (hg19) VCF-style: chr5-14487917-C-A.
Other names: c.7180C>A (NM_007118.2); short protein forms P2394T.
Identifiers: ClinVar variation 3768531 (VCV003768531.2).
Genomic context (GRCh38, chr5:14,487,808, plus strand): 5'-CCCTCCCTGCCTCCCCCTGGCGCGGCCCCCGAGGCCGGCCCCAGCGCGCCCAGCAGGCGG[C>A]CCCCCGGCGCGGACGCCGAGGGGTCCGAGCGAGAAGCGGAGCCGATCCCCAAGATGAAGG-3'
Protein context (NP_009049.2, residues 2384-2404): EAGPSAPSRR[Pro2394Thr]PGADAEGSER

ClinVar aggregate classification (germline): Uncertain significance. Review status: criteria provided, multiple submitters, no conflicts (2 of 4 stars). 2 submissions from 2 submitters: Uncertain significance (2). Last evaluated 2026-04-30.

Conditions:
Inborn genetic diseases. Identifiers: MedGen C0950123, MeSH D030342.

gnomAD v4.1: 3 of 1,416,114 alleles (0.00021%); highest among the groups gnomAD compares: East Asian, 0.0032%; no homozygotes.

Submissions (2):

Ambry Genetics
Classification: Uncertain significance for Inborn genetic diseases. Last evaluated: 2026-04-30. Review status: criteria provided, single submitter. Criteria: Ambry Variant Classification Scheme 2023. Collection method: clinical testing. Allele origin: germline.

Women's Health and Genetics/Laboratory Corporation of America, LabCorp
Classification: Uncertain significance. Last evaluated: 2024-12-30. Review status: criteria provided, single submitter. Criteria: LabCorp Variant Classification Summary - May 2015. Collection method: clinical testing. Allele origin: germline.
Comment: Variant summary: TRIO c.7180C>A (p.Pro2394Thr) results in a non-conservative amino acid change in the encoded protein sequence. Four of five in-silico tools predict a benign effect of the variant on protein function. The variant was absent in 61694 control chromosomes. The available data on variant occurrences in the general population are insufficient to allow any conclusion about variant significance. To our knowledge, no occurrence of c.7180C>A in individuals affected with TRIO-Related Intellectual Disability and no experimental evidence demonstrating its impact on protein function have been reported. No submitters have cited clinical-significance assessments for this variant to ClinVar. Based on the evidence outlined above, the variant was classified as uncertain significance.